The following is an entry in ClinVar:

NM_001127222.2(CACNA1A):c.1154T>C (p.Ile385Thr)

Gene: CACNA1A (calcium voltage-gated channel subunit alpha1 A; minus strand). Cytogenetic location: 19p13.13.
Variant type: single nucleotide variant.
Coding change: c.1154T>C on transcript NM_001127222.2 (MANE Select); coding-DNA position 1154, T replaced by C.
Protein change: p.Ile385Thr; replaces isoleucine 385 with threonine.
Molecular consequence: missense variant.
Genome position (GRCh38, 1-based): chr19:13,334,422, A>G on the plus strand (T>C on the coding strand, the complement: CACNA1A is on the minus strand). VCF-style: chr19-13334422-A-G. GRCh37 (hg19) VCF-style: chr19-13445236-A-G.
Other names: c.1154T>C, p.Ile385Thr (NM_000068.4, NM_001127221.2, NM_001174080.2 and 1 more transcripts); short protein forms I385T.
Identifiers: ClinVar variation 2940233 (VCV002940233.3), dbSNP rs2513049054, ClinGen allele CA404346490.
Genomic context (GRCh38, chr19:13,334,422, plus strand): 5'-GATGAAAGGGCCTCACCTGCTTTTGAGATCCACTCCATGTACCCATTGAGCTCACGTTCA[A>G]TCTGTTGTTGCCGCCTCAGCTTCAGAAAAGCCCGCCGGTTCTCCACCCGTTCCCTTTCTT-3'
Protein context (NP_001120694.1, residues 375-395): AFLKLRRQQQ[Ile385Thr]ERELNGYMEW

ClinVar aggregate classification (germline): Uncertain significance (1 of 4 stars; one submission).

Conditions:
Episodic ataxia type 2 (EA2). Also called: CEREBELLAR ATAXIA, PAROXYSMAL, ACETAZOLAMIDE-RESPONSIVE; CEREBELLOPATHY, HEREDITARY PAROXYSMAL; EPISODIC ATAXIA, NYSTAGMUS-ASSOCIATED; ACETAZOLAMIDE-RESPONSIVE HEREDITARY PAROXYSMAL CEREBELLAR ATAXIA; ATAXIA, EPISODIC, WITH NYSTAGMUS; ATAXIA, FAMILIAL PAROXYSMAL. Identifiers: Orphanet 97, MedGen C1720416, MONDO:0007163, OMIM 108500.
Developmental and epileptic encephalopathy, 42 (DEE42A). Also called: Epileptic encephalopathy, early infantile, 42; DEVELOPMENTAL AND EPILEPTIC ENCEPHALOPATHY 42A; EPILEPTIC ENCEPHALOPATHY, EARLY INFANTILE, 42A. Identifiers: MedGen C4310716, MONDO:0014917, OMIM 617106.

Submission:

Labcorp Genetics (formerly Invitae), Labcorp
Classification: Uncertain significance for Developmental and epileptic encephalopathy, 42; Episodic ataxia type 2. Last evaluated: 2023-05-30. Review status: criteria provided, single submitter. Criteria: Invitae Variant Classification Sherloc (09022015). Collection method: clinical testing. Allele origin: germline.
Comment: This sequence change replaces isoleucine, which is neutral and non-polar, with threonine, which is neutral and polar, at codon 385 of the CACNA1A protein (p.Ile385Thr). This variant is not present in population databases (gnomAD no frequency). In summary, the available evidence is currently insufficient to determine the role of this variant in disease. Therefore, it has been classified as a Variant of Uncertain Significance. Advanced modeling of protein sequence and biophysical properties (such as structural, functional, and spatial information, amino acid conservation, physicochemical variation, residue mobility, and thermodynamic stability) performed at Invitae indicates that this missense variant is expected to disrupt CACNA1A protein function. This variant has not been reported in the literature in individuals affected with CACNA1A-related conditions.